The following is an entry in ClinVar:

ClinVar aggregate classification (germline): Uncertain significance (1 of 4 stars; one submission).

Conditions:
CBL-related disorder. Also called: NOONAN SYNDROME-LIKE DISORDER WITHOUT JUVENILE MYELOMONOCYTIC LEUKEMIA; CBL MUTATION-ASSOCIATED SYNDROME; CBL SYNDROME. Identifiers: Orphanet 363972, MedGen C3150803, MONDO:0013308, OMIM 613563.

gnomAD v4.1: 4 of 1,608,382 alleles (0.00025%); highest among the groups gnomAD compares: South Asian, 0.0044%; no homozygotes.

Submission:

PreventionGenetics, part of Exact Sciences
Classification: Uncertain significance for CBL-related condition. Last evaluated: 2025-02-06. Review status: criteria provided, single submitter. Criteria: ACMG Guidelines, 2015. Collection method: clinical testing. Allele origin: germline.
Comment: The CBL c.1950T>G variant is predicted to result in the amino acid substitution p.Asn650Lys. To our knowledge, this variant has not been reported in the literature. This variant is reported in 0.0033% of alleles in individuals of South Asian descent in gnomAD. At this time, the clinical significance of this variant is uncertain due to the absence of conclusive functional and genetic evidence.

NM_005188.4(CBL):c.1950T>G (p.Asn650Lys)

Gene: CBL (Cbl proto-oncogene; plus strand). Cytogenetic location: 11q23.3.
Variant type: single nucleotide variant.
Coding change: c.1950T>G on transcript NM_005188.4 (MANE Select); coding-DNA position 1950, T replaced by G.
Protein change: p.Asn650Lys; replaces asparagine 650 with lysine.
Molecular consequence: missense variant.
Genome position (GRCh38, 1-based): chr11:119,287,860, T>G. VCF-style: chr11-119287860-T-G. GRCh37 (hg19) VCF-style: chr11-119158570-T-G.
Other names: short protein forms N650K.
Identifiers: ClinVar variation 4997000 (VCV004997000.1).